The following is an entry in ClinVar:

ClinVar aggregate classification (germline): Likely benign (0 of 4 stars; one submission).

Conditions:
MUC16-related disorder. Also called: MUC16-related condition.

Submission:

PreventionGenetics, part of Exact Sciences
Classification: Likely benign for MUC16-related condition. Last evaluated: 2019-08-09. Review status: no assertion criteria provided. Collection method: clinical testing. Allele origin: germline.
Comment: This variant is classified as likely benign based on ACMG/AMP sequence variant interpretation guidelines (Richards et al. 2015 PMID: 25741868, with internal and published modifications).

NM_001401501.2(MUC16):c.38772C>T (p.Thr12924=)

Gene: MUC16 (mucin 16, cell surface associated; minus strand). Cytogenetic location: 19p13.2.
Variant type: single nucleotide variant.
Coding change: c.38772C>T on transcript NM_001401501.2 (MANE Select); coding-DNA position 38772, C replaced by T.
Protein change: p.Thr12924=; no amino-acid change (threonine 12924 retained).
Molecular consequence: synonymous variant.
Genome position (GRCh38, 1-based): chr19:8,902,182, G>A on the plus strand (C>T on the coding strand, the complement: MUC16 is on the minus strand). VCF-style: chr19-8902182-G-A. GRCh37 (hg19) VCF-style: chr19-9012858-G-A.
Other names: c.39198C>T, p.Thr13066= (NM_001414686.1); c.38652C>T, p.Thr12884= (NM_001414687.1); c.38586C>T, p.Thr12862= (NM_024690.2).
Identifiers: ClinVar variation 3035745 (VCV003035745.2), dbSNP rs111669353, ClinGen allele CA305021866.